The following is an entry in ClinVar:

NM_021008.4(DEAF1):c.664+5G>C

Gene: DEAF1 (DEAF1 transcription factor; minus strand). Cytogenetic location: 11p15.5.
Variant type: single nucleotide variant.
Coding change: c.664+5G>C on transcript NM_021008.4 (MANE Select); 5 bases into the intron after coding-DNA position 664, G replaced by C.
Molecular consequence: intron variant.
Genome position (GRCh38, 1-based): chr11:687,906, C>G on the plus strand (G>C on the coding strand, the complement: DEAF1 is on the minus strand). VCF-style: chr11-687906-C-G. GRCh37 (hg19) VCF-style: chr11-687906-C-G.
Other names: c.-63+5G>C (NM_001367390.1, NM_001440885.1, NM_001440887.1 and 1 more transcripts); c.664+5G>C (NM_001293634.2, NM_001440884.1, NM_001440883.1).
Identifiers: ClinVar variation 2914755 (VCV002914755.3), dbSNP rs2494454901, ClinGen allele CA2611730008.

ClinVar aggregate classification (germline): Uncertain significance (1 of 4 stars; one submission).

gnomAD v4.1: 1 of 1,614,074 alleles (0.000062%); highest among the groups gnomAD compares: Non-Finnish European, 0.000085%; no homozygotes.

Submission:

Labcorp Genetics (formerly Invitae), Labcorp
Classification: Uncertain significance. Last evaluated: 2023-11-11. Review status: criteria provided, single submitter. Criteria: Invitae Variant Classification Sherloc (09022015). Collection method: clinical testing. Allele origin: germline.
Comment: This sequence change falls in intron 4 of the DEAF1 gene. It does not directly change the encoded amino acid sequence of the DEAF1 protein. It affects a nucleotide within the consensus splice site. This variant is not present in population databases (gnomAD no frequency). This variant has not been reported in the literature in individuals affected with DEAF1-related conditions. Variants that disrupt the consensus splice site are a relatively common cause of aberrant splicing (PMID: 17576681, 9536098). Algorithms developed to predict the effect of sequence changes on RNA splicing suggest that this variant is not likely to affect RNA splicing. In summary, the available evidence is currently insufficient to determine the role of this variant in disease. Therefore, it has been classified as a Variant of Uncertain Significance.

Literature cited by the submitters: PubMed 17576681; PubMed 9536098.